The following is an entry in ClinVar:

NM_015272.5(RPGRIP1L):c.3124G>T (p.Asp1042Tyr)

Gene: RPGRIP1L (RPGRIP1 like; minus strand). Cytogenetic location: 16q12.2.
Variant type: single nucleotide variant.
Coding change: c.3124G>T on transcript NM_015272.5 (MANE Select); coding-DNA position 3124, G replaced by T.
Protein change: p.Asp1042Tyr; replaces aspartic acid 1042 with tyrosine.
Molecular consequence: missense variant.
Genome position (GRCh38, 1-based): chr16:53,637,791, C>A on the plus strand (G>T on the coding strand, the complement: RPGRIP1L is on the minus strand). VCF-style: chr16-53637791-C-A. GRCh37 (hg19) VCF-style: chr16-53671703-C-A.
Other names: c.3022G>T, p.Asp1008Tyr (NM_001127897.4, NM_001330538.2); c.3124G>T, p.Asp1042Tyr (NM_001308334.3); short protein forms D1008Y, D1042Y.
Identifiers: ClinVar variation 4991247 (VCV004991247.1).
Genomic context (GRCh38, chr16:53,637,791, plus strand): 5'-CTTCAGAAGATGCCAAGCTTTGTTCTGCAAGCTGACCTTCAGATAGTAAAGACACATCAT[C>A]TTTTCCTTGCTGCATTTTCTCAGTATTCTCTTTTACCTCATCTACACTGCCTTCTTGTGA-3'
Protein context (NP_056087.2, residues 1032-1052): ENTEKMQQGK[Asp1042Tyr]DVSLLSEGQL

ClinVar aggregate classification (germline): Uncertain significance (1 of 4 stars; one submission).

Conditions:
RPGRIP1L-related disorder. Also called: RPGRIP1L-related condition; RPGRIP1L-related disorders. Identifiers: MedGen CN239416.

Submission:

PreventionGenetics, part of Exact Sciences
Classification: Uncertain significance for RPGRIP1L-related condition. Last evaluated: 2025-09-26. Review status: criteria provided, single submitter. Criteria: ACMG Guidelines, 2015. Collection method: clinical testing. Allele origin: germline.
Comment: The RPGRIP1L c.3124G>T variant is predicted to result in the amino acid substitution p.Asp1042Tyr. To our knowledge, this variant has not been reported in the literature or in a large population database (gnomAD), indicating this variant is rare. At this time, the clinical significance of this variant is uncertain due to the absence of conclusive functional and genetic evidence.